The following is an entry in ClinVar:

ClinVar aggregate classification (germline): Uncertain significance. Review status: criteria provided, multiple submitters, no conflicts (2 of 4 stars). 2 submissions from 2 submitters: Uncertain significance (2). Last evaluated 2025-09-25.

Conditions:
Inborn genetic diseases. Identifiers: MedGen C0950123, MeSH D030342.
Short-rib thoracic dysplasia 8 with or without polydactyly (SRTD8). Also called: SHORT-RIB THORACIC DYSPLASIA 8 WITH POLYDACTYLY. Identifiers: Orphanet 93271, MedGen C3809691, MONDO:0014214, OMIM 615503.

gnomAD v4.1: 14 of 1,551,596 alleles (0.0009%); highest among the groups gnomAD compares: Non-Finnish European, 0.0011%; no homozygotes.

Submissions (2):

Ambry Genetics
Classification: Uncertain significance for Inborn genetic diseases. Last evaluated: 2025-09-25. Review status: criteria provided, single submitter. Criteria: Ambry Variant Classification Scheme 2023. Collection method: clinical testing. Allele origin: germline.

Labcorp Genetics (formerly Invitae), Labcorp
Classification: Uncertain significance for Short-rib thoracic dysplasia 8 with or without polydactyly. Last evaluated: 2024-11-01. Review status: criteria provided, single submitter. Criteria: Invitae Variant Classification Sherloc (09022015). Collection method: clinical testing. Allele origin: germline.
Comment: This sequence change replaces arginine, which is basic and polar, with glutamine, which is neutral and polar, at codon 109 of the WDR60 protein (p.Arg109Gln). This variant is present in population databases (rs755486856, gnomAD 0.002%). This variant has not been reported in the literature in individuals affected with WDR60-related conditions. An algorithm developed to predict the effect of missense changes on protein structure and function outputs the following: PolyPhen-2: "Possibly Damaging". The glutamine amino acid residue is found in multiple mammalian species, which suggests that this missense change does not adversely affect protein function. In summary, the available evidence is currently insufficient to determine the role of this variant in disease. Therefore, it has been classified as a Variant of Uncertain Significance.

NM_018051.5(DYNC2I1):c.326G>A (p.Arg109Gln)

Gene: DYNC2I1 (dynein 2 intermediate chain 1; plus strand). Cytogenetic location: 7q36.3.
Variant type: single nucleotide variant.
Coding change: c.326G>A on transcript NM_018051.5 (MANE Select); coding-DNA position 326, G replaced by A.
Protein change: p.Arg109Gln; replaces arginine 109 with glutamine.
Molecular consequence: missense variant. On other transcripts: 5 prime UTR variant (4).
Genome position (GRCh38, 1-based): chr7:158,871,398, G>A. VCF-style: chr7-158871398-G-A. GRCh37 (hg19) VCF-style: chr7-158664089-G-A.
Other names: c.188G>A, p.Arg63Gln (NM_001350914.2); c.-192G>A (NM_001350915.2); c.-1033G>A (NM_001350916.2); c.-1041G>A (NM_001350917.2); c.-1160G>A (NM_001350918.2); c.326G>A (NM_018051.4); short protein forms R63Q, R109Q.
Identifiers: ClinVar variation 3711238 (VCV003711238.3).